The following is an entry in ClinVar:

ClinVar aggregate classification (germline): Benign/Likely benign. Review status: criteria provided, multiple submitters, no conflicts (2 of 4 stars). 3 submissions from 3 submitters: Benign (1); Likely benign (2). Last evaluated 2026-04-16.

Conditions:
Hereditary cancer-predisposing syndrome. Also called: Neoplastic Syndromes, Hereditary; Hereditary Cancer Syndrome; Hereditary neoplastic syndrome; Tumor predisposition. Identifiers: Orphanet 140162, MedGen C0027672, MeSH D009386, MONDO:0015356.
DICER1-related tumor predisposition. Also called: DICER1-related pleuropulmonary blastoma cancer predisposition syndrome; DICER1 syndrome. Identifiers: Orphanet 284343, MedGen C3839822, MONDO:0100216.

Allele frequency attached by ClinVar (database versions not stated): gnomAD exomes 0.00001 and below 0.00001.
gnomAD v4.1: 3 of 1,614,024 alleles (0.00019%); highest among the groups gnomAD compares: Non-Finnish European, 0.00025%; no homozygotes.

Submissions (3):

Myriad Genetics, Inc.
Classification: Benign for DICER1-related tumor predisposition. Last evaluated: 2026-04-16. Review status: criteria provided, single submitter. Criteria: Myriad Autosomal Dominant, Autosomal Recessive and X-Linked Classification Criteria (2023). Collection method: clinical testing. Allele origin: unknown.
Comment: This variant is considered benign. This variant is a silent/synonymous amino acid change and it is not expected to impact splicing.

Labcorp Genetics (formerly Invitae), Labcorp
Classification: Likely benign for DICER1-related tumor predisposition. Last evaluated: 2025-11-25. Review status: criteria provided, single submitter. Criteria: Invitae Variant Classification Sherloc (09022015). Collection method: clinical testing. Allele origin: germline.

Ambry Genetics
Classification: Likely benign for Hereditary cancer-predisposing syndrome. Last evaluated: 2021-09-04. Review status: criteria provided, single submitter. Criteria: Ambry Variant Classification Scheme 2023. Collection method: clinical testing. Allele origin: germline.

NM_177438.3(DICER1):c.2491T>C (p.Leu831=)

Gene: DICER1 (dicer 1, ribonuclease III; minus strand). Cytogenetic location: 14q32.13.
Variant type: single nucleotide variant.
Coding change: c.2491T>C on transcript NM_177438.3 (MANE Select); coding-DNA position 2491, T replaced by C.
Protein change: p.Leu831=; no amino-acid change (leucine 831 retained).
Molecular consequence: synonymous variant.
Genome position (GRCh38, 1-based): chr14:95,108,039, A>G on the plus strand (T>C on the coding strand, the complement: DICER1 is on the minus strand). VCF-style: chr14-95108039-A-G. GRCh37 (hg19) VCF-style: chr14-95574376-A-G.
Other names: c.2491T>C, p.Leu831= (NM_001195573.1, NM_001271282.3, NM_001291628.2 and 1 more transcripts).
Identifiers: ClinVar variation 543711 (VCV000543711.13), dbSNP rs1357970974, ClinGen allele CA487844880.
Genomic context (GRCh38, chr14:95,108,039, plus strand): 5'-GGTGAAGTCTTGTAATCAACTCAAGCATTTGTAGAGACAACATGAAACCAGACTTCTTCA[A>G]CTCAATGGATATGGTAACCTCTCCAGAGCGTGTGTACACAGGAAAGTGTGGAATCTTAGC-3'
Protein context (NP_803187.1, residues 821-841): RSGEVTISIE[Leu831=]KKSGFMLSLQ